The following is an entry in ClinVar:

NM_003801.4(GPAA1):c.525T>G (p.Tyr175Ter)

Gene: GPAA1 (glycosylphosphatidylinositol anchor attachment 1; plus strand). Cytogenetic location: 8q24.3.
Variant type: single nucleotide variant.
Coding change: c.525T>G on transcript NM_003801.4 (MANE Select); coding-DNA position 525, T replaced by G.
Protein change: p.Tyr175Ter; replaces tyrosine 175 with a stop codon.
Molecular consequence: nonsense.
Genome position (GRCh38, 1-based): chr8:144,083,949, T>G. VCF-style: chr8-144083949-T-G. GRCh37 (hg19) VCF-style: chr8-145138852-T-G.
Other names: short protein forms Y175*.
Identifiers: ClinVar variation 2889593 (VCV002889593.3), dbSNP rs374893682, ClinGen allele CA372599521.

ClinVar aggregate classification (germline): Pathogenic (1 of 4 stars; one submission).

Allele frequency attached by ClinVar (database versions not stated): gnomAD 0.00003.
gnomAD v4.1: 5 of 1,613,736 alleles (0.00031%); highest among the groups gnomAD compares: African/African-American, 0.0067%; no homozygotes.

Submission:

Labcorp Genetics (formerly Invitae), Labcorp
Classification: Pathogenic. Last evaluated: 2023-11-24. Review status: criteria provided, single submitter. Criteria: Invitae Variant Classification Sherloc (09022015). Collection method: clinical testing. Allele origin: germline.
Comment: This sequence change creates a premature translational stop signal (p.Tyr175*) in the GPAA1 gene. It is expected to result in an absent or disrupted protein product. Loss-of-function variants in GPAA1 are known to be pathogenic (PMID: 29100095). This variant is present in population databases (no rsID available, gnomAD 0.01%). This variant has not been reported in the literature in individuals affected with GPAA1-related conditions. Algorithms developed to predict the effect of sequence changes on RNA splicing suggest that this variant may disrupt the consensus splice site. For these reasons, this variant has been classified as Pathogenic.

Literature cited by the submitters: PubMed 29100095.